The following is an entry in ClinVar:

ClinVar aggregate classification (germline): Conflicting classifications of pathogenicity. Review status: criteria provided, conflicting classifications (1 of 4 stars). 6 submissions from 6 submitters: Uncertain significance (5); Likely benign (1). Last evaluated 2026-06-18.

Conditions:
CDH1-related disorder. Also called: CDH1-related condition.
Hereditary cancer-predisposing syndrome. Also called: Hereditary Cancer Syndrome; Tumor predisposition; Hereditary neoplastic syndrome; Neoplastic Syndromes, Hereditary. Identifiers: Orphanet 140162, MedGen C0027672, MeSH D009386, MONDO:0015356.
Hereditary diffuse gastric adenocarcinoma (HDGC). Also called: DIFFUSE GASTRIC AND LOBULAR BREAST CANCER SYNDROME. Identifiers: Orphanet 26106, MedGen C1708349, MONDO:0007648, OMIM 137215.

Allele frequency attached by ClinVar (database versions not stated): gnomAD exomes below 0.00001; ExAC 0.00001; gnomAD 0.00001; ESP Exome Variant Server 0.00008.

Submissions (6):

Ambry Genetics
Classification: Likely benign for Hereditary cancer-predisposing syndrome. Last evaluated: 2026-06-18. Review status: criteria provided, single submitter. Criteria: Ambry Variant Classification Scheme 2023. Collection method: clinical testing. Allele origin: germline.

Labcorp Genetics (formerly Invitae), Labcorp
Classification: Uncertain significance for Hereditary diffuse gastric adenocarcinoma. Last evaluated: 2025-12-15. Review status: criteria provided, single submitter. Criteria: Invitae Variant Classification Sherloc (09022015). Collection method: clinical testing. Allele origin: germline.
Comment: This sequence change replaces histidine, which is basic and polar, with arginine, which is basic and polar, at codon 122 of the CDH1 protein (p.His122Arg). The frequency data for this variant in the population databases is considered unreliable, as metrics indicate poor data quality at this position in the gnomAD database. This variant has not been reported in the literature in individuals affected with CDH1-related conditions. ClinVar contains an entry for this variant (Variation ID: 491534). An algorithm developed to predict the effect of missense changes on protein structure and function outputs the following: PolyPhen-2: "Benign". The arginine amino acid residue is found in multiple mammalian species, which suggests that this missense change does not adversely affect protein function. In summary, the available evidence is currently insufficient to determine the role of this variant in disease. Therefore, it has been classified as a Variant of Uncertain Significance.

Women's Health and Genetics/Laboratory Corporation of America, LabCorp
Classification: Uncertain significance. Last evaluated: 2025-07-12. Review status: criteria provided, single submitter. Criteria: LabCorp Variant Classification Summary - May 2015. Collection method: clinical testing. Allele origin: germline.

GeneDx
Classification: Uncertain significance. Last evaluated: 2024-10-22. Review status: criteria provided, single submitter. Criteria: GeneDx Variant Classification Process June 2021. Collection method: clinical testing. Allele origin: germline. Affected: yes.
Comment: Not observed at significant frequency in large population cohorts (gnomAD); In silico analysis indicates that this missense variant does not alter protein structure/function; Has not been previously published as pathogenic or benign to our knowledge; This variant is associated with the following publications: (PMID: 15235021)

Color Diagnostics, LLC DBA Color Health
Classification: Uncertain significance for Hereditary cancer-predisposing syndrome. Last evaluated: 2023-12-05. Review status: criteria provided, single submitter. Criteria: ACMG Guidelines, 2015. Collection method: clinical testing. Allele origin: germline.
Comment: This missense variant replaces histidine with arginine at codon 122 of the CDH1 protein. To our knowledge, functional studies have not been reported for this variant. This variant has not been reported in individuals affected with hereditary cancer in the literature. This variant has been identified in 1/245606 chromosomes in the general population by the Genome Aggregation Database (gnomAD). The available evidence is insufficient to determine the role of this variant in disease conclusively. Therefore, this variant is classified as a Variant of Uncertain Significance.

PreventionGenetics, part of Exact Sciences
Classification: Uncertain significance for CDH1-related condition. Last evaluated: 2022-10-06. Review status: criteria provided, single submitter. Criteria: ACMG Guidelines, 2015. Collection method: clinical testing. Allele origin: germline.
Comment: The CDH1 c.365A>G variant is predicted to result in the amino acid substitution p.His122Arg. To our knowledge, this variant has not been reported in the literature. This variant is reported in 0.0080% of alleles in individuals of African descent in gnomAD. It is interpreted as a variant of uncertain significance in ClinVar. At this time, the clinical significance of this variant is uncertain due to the absence of conclusive functional and genetic evidence.

NM_004360.5(CDH1):c.365A>G (p.His122Arg)

Gene: CDH1 (cadherin 1; plus strand). Cytogenetic location: 16q22.1.
Variant type: single nucleotide variant.
Coding change: c.365A>G on transcript NM_004360.5 (MANE Select); coding-DNA position 365, A replaced by G.
Protein change: p.His122Arg; replaces histidine 122 with arginine.
Molecular consequence: missense variant. On other transcripts: 5 prime UTR variant (2).
Genome position (GRCh38, 1-based): chr16:68,801,871, A>G. VCF-style: chr16-68801871-A-G. GRCh37 (hg19) VCF-style: chr16-68835774-A-G.
Other names: c.365A>G, p.His122Arg (NM_001317184.2); c.-1251A>G (NM_001317185.2); c.-1455A>G (NM_001317186.2); short protein forms H122R.
Identifiers: ClinVar variation 491534 (VCV000491534.23), dbSNP rs373668742, ClinGen allele CA8129835.